The following is an entry in ClinVar:

NM_001297595.2(SIN3B):c.1267-36A>G

Gene: SIN3B (SIN3 transcription regulator family member B; plus strand). Cytogenetic location: 19p13.11.
Variant type: single nucleotide variant.
Coding change: c.1267-36A>G on transcript NM_001297595.2 (MANE Select); 36 bases into the intron before coding-DNA position 1267, A replaced by G.
Molecular consequence: intron variant. On other transcripts: missense variant (1), initiator codon variant (1).
Genome position (GRCh38, 1-based): chr19:16,863,644, A>G. VCF-style: chr19-16863644-A-G. GRCh37 (hg19) VCF-style: chr19-16974455-A-G.
Other names: c.1A>G, p.Met1Val (NM_001297597.2); c.1363-36A>G (NM_015260.4); short protein forms M1V.
Identifiers: ClinVar variation 4821965 (VCV004821965.4).
Genomic context (GRCh38, chr19:16,863,644, plus strand): 5'-TGGTATTATGTATCTTGGTACTTTCTACACTGGCTAACAGTAAATCTTGGCTCCTGGGGC[A>G]TGCAGCGTCATTCACGGCATTTCCTCTTGGTGCAGGTACTGAACGACACCTGGGTCTCCT-3'

ClinVar aggregate classification (germline): Likely benign (1 of 4 stars; one submission).

gnomAD v4.1: 47 of 1,365,630 alleles (0.0034%); highest among the groups gnomAD compares: African/African-American, 0.057%; no homozygotes.

Submission:

CeGaT Center for Human Genetics Tuebingen
Classification: Likely benign. Last evaluated: 2026-02-01. Review status: criteria provided, single submitter. Criteria: CeGaT Center For Human Genetics Tuebingen Variant Classification Criteria Version 2. Collection method: clinical testing. Allele origin: germline. Affected: yes. Observed: 1 variant allele.
Comment: SIN3B: BP1, BS2